The following is an entry in ClinVar:

NM_007126.5(VCP):c.1966A>G (p.Ile656Val)

Gene: VCP (valosin containing protein; minus strand). Cytogenetic location: 9p13.3.
Variant type: single nucleotide variant.
Coding change: c.1966A>G on transcript NM_007126.5 (MANE Select); coding-DNA position 1966, A replaced by G.
Protein change: p.Ile656Val; replaces isoleucine 656 with valine.
Molecular consequence: missense variant.
Genome position (GRCh38, 1-based): chr9:35,059,531, T>C on the plus strand (A>G on the coding strand, the complement: VCP is on the minus strand). VCF-style: chr9-35059531-T-C. GRCh37 (hg19) VCF-style: chr9-35059528-T-C.
Other names: c.1831A>G, p.Ile611Val (NM_001354927.2, NM_001354928.2); short protein forms I656V, I611V.
Identifiers: ClinVar variation 5009118 (VCV005009118.1).

ClinVar aggregate classification (germline): Uncertain significance (1 of 4 stars; one submission).

Submission:

GeneDx
Classification: Uncertain significance. Last evaluated: 2026-03-18. Review status: criteria provided, single submitter. Criteria: GeneDx Variant Classification Process June 2021. Collection method: clinical testing. Allele origin: germline.
Comment: Not observed at significant frequency in large population cohorts (gnomAD); In silico analysis suggests that this missense variant does not alter protein structure/function; Has not been previously published as pathogenic or benign to our knowledge